The following is an entry in ClinVar:

NM_000152.5(GAA):c.433G>A (p.Glu145Lys)

Gene: GAA (alpha glucosidase; plus strand). Cytogenetic location: 17q25.3.
Variant type: single nucleotide variant.
Coding change: c.433G>A on transcript NM_000152.5 (MANE Select); coding-DNA position 433, G replaced by A.
Protein change: p.Glu145Lys; replaces glutamic acid 145 with lysine.
Molecular consequence: missense variant.
Genome position (GRCh38, 1-based): chr17:80,105,019, G>A. VCF-style: chr17-80105019-G-A. GRCh37 (hg19) VCF-style: chr17-78078818-G-A.
Other names: c.433G>A, p.Glu145Lys (NM_001079803.3, NM_001079804.3); short protein forms E145K.
Identifiers: ClinVar variation 1376245 (VCV001376245.6), dbSNP rs2143828679, ClinGen allele CA401361317.
Genomic context (GRCh38, chr17:80,105,019, plus strand): 5'-CCCTGGTGCTTCTTCCCACCCAGCTACCCCAGCTACAAGCTGGAGAACCTGAGCTCCTCT[G>A]AAATGGGCTACACGGCCACCCTGACCCGTACCACCCCCACCTTCTTCCCCAAGGACATCC-3'
Protein context (NP_000143.2, residues 135-155): SYKLENLSSS[Glu145Lys]MGYTATLTRT

ClinVar aggregate classification (germline): Uncertain significance (1 of 4 stars; one submission).

Conditions:
Glycogen storage disease, type II (IOPD). Also called: CARDIOMEGALIA GLYCOGENICA DIFFUSA; GLYCOGENOSIS, GENERALIZED, CARDIAC FORM; GSD II; POMPE DISEASE, INFANTILE-ONSET; GLYCOGEN STORAGE DISEASE II, INFANTILE-ONSET; ACID ALPHA-GLUCOSIDASE DEFICIENCY, INFANTILE-ONSET. Identifiers: Orphanet 365, MedGen C0017921, MONDO:0009290, OMIM 232300.

Allele frequency attached by ClinVar (database versions not stated): gnomAD exomes below 0.00001.
gnomAD v4.1: 1 of 1,612,928 alleles (0.000062%); highest among the groups gnomAD compares: Non-Finnish European, 0.000085%; no homozygotes.

Submission:

Labcorp Genetics (formerly Invitae), Labcorp
Classification: Uncertain significance for Glycogen storage disease, type II. Last evaluated: 2021-08-19. Review status: criteria provided, single submitter. Criteria: Invitae Variant Classification Sherloc (09022015). Collection method: clinical testing. Allele origin: germline.
Comment: In summary, the available evidence is currently insufficient to determine the role of this variant in disease. Therefore, it has been classified as a Variant of Uncertain Significance. Advanced modeling of protein sequence and biophysical properties (such as structural, functional, and spatial information, amino acid conservation, physicochemical variation, residue mobility, and thermodynamic stability) performed at Invitae indicates that this missense variant is not expected to disrupt GAA protein function. This variant has not been reported in the literature in individuals affected with GAA-related conditions. This variant is not present in population databases (ExAC no frequency). This sequence change replaces glutamic acid with lysine at codon 145 of the GAA protein (p.Glu145Lys). The glutamic acid residue is moderately conserved and there is a small physicochemical difference between glutamic acid and lysine.